The following is an entry in ClinVar:

NM_014918.5(CHSY1):c.960G>T (p.Leu320=)

Gene: CHSY1 (chondroitin sulfate synthase 1; minus strand). Cytogenetic location: 15q26.3.
Variant type: single nucleotide variant.
Coding change: c.960G>T on transcript NM_014918.5 (MANE Select); coding-DNA position 960, G replaced by T.
Protein change: p.Leu320=; no amino-acid change (leucine 320 retained).
Molecular consequence: synonymous variant.
Genome position (GRCh38, 1-based): chr15:101,178,837, C>A on the plus strand (G>T on the coding strand, the complement: CHSY1 is on the minus strand). VCF-style: chr15-101178837-C-A. GRCh37 (hg19) VCF-style: chr15-101719042-C-A.
Identifiers: ClinVar variation 5040260 (VCV005040260.1).

ClinVar aggregate classification (germline): Likely benign (1 of 4 stars; one submission).

Submission:

CeGaT Center for Human Genetics Tuebingen
Classification: Likely benign. Last evaluated: 2026-07-01. Review status: criteria provided, single submitter. Criteria: CeGaT Center For Human Genetics Tuebingen Variant Classification Criteria Version 2. Collection method: clinical testing. Allele origin: germline. Affected: yes. Observed: 1 variant allele.
Comment: CHSY1: PM2:Supporting, BP4, BP7